The following is an entry in ClinVar:

ClinVar aggregate classification (germline): Conflicting classifications of pathogenicity. Review status: criteria provided, conflicting classifications (1 of 4 stars). 2 submissions from 2 submitters: Uncertain significance (1); Likely benign (1). Last evaluated 2024-11-05.

Conditions:
Hereditary cancer-predisposing syndrome. Also called: Tumor predisposition; Hereditary Cancer Syndrome; Hereditary neoplastic syndrome; Neoplastic Syndromes, Hereditary. Identifiers: Orphanet 140162, MedGen C0027672, MeSH D009386, MONDO:0015356.
Hereditary breast ovarian cancer syndrome. Also called: BRCA1- and BRCA2-Associated Hereditary Breast and Ovarian Cancer; Hereditary breast and ovarian cancer; Hereditary breast and ovarian cancer syndrome; Hereditary breast and ovarian cancer syndrome (HBOC); Breast and ovarian cancer; Hereditary breast and/or ovarian cancer syndrome. Identifiers: Orphanet 145, MedGen C0677776, MeSH D061325, MONDO:0003582. Disease mechanism: loss of function.

Submissions (2):

Labcorp Genetics (formerly Invitae), Labcorp
Classification: Uncertain significance for Hereditary breast ovarian cancer syndrome. Last evaluated: 2024-11-05. Review status: criteria provided, single submitter. Criteria: Invitae Variant Classification Sherloc (09022015). Collection method: clinical testing. Allele origin: germline.
Comment: This sequence change replaces isoleucine, which is neutral and non-polar, with threonine, which is neutral and polar, at codon 1170 of the BRCA1 protein (p.Ile1170Thr). This variant is not present in population databases (gnomAD no frequency). This variant has not been reported in the literature in individuals affected with BRCA1-related conditions. ClinVar contains an entry for this variant (Variation ID: 1468069). Invitae Evidence Modeling of protein sequence and biophysical properties (such as structural, functional, and spatial information, amino acid conservation, physicochemical variation, residue mobility, and thermodynamic stability) indicates that this missense variant is expected to disrupt BRCA1 protein function with a positive predictive value of 80%. In summary, the available evidence is currently insufficient to determine the role of this variant in disease. Therefore, it has been classified as a Variant of Uncertain Significance.

University of Washington Department of Laboratory Medicine, University of Washington
Classification: Likely benign for Hereditary cancer-predisposing syndrome. Last evaluated: 2023-03-23. Review status: criteria provided, single submitter. Criteria: Dines et al. (Genet Med. 2020). Collection method: curation. Allele origin: germline.
Comment: Missense variant in a coldspot region where missense variants are very unlikely to be pathogenic (PMID:31911673).

BRCA1 coldspot (exon 11 using historical exon numbering). Reclassification based on statistical prior probability

NM_007294.4(BRCA1):c.3509T>C (p.Ile1170Thr)

Genes: BRCA1 (BRCA1 DNA repair associated; minus strand), LOC126862571 (BRD4-independent group 4 enhancer GRCh37_chr17:41243136-41244335; plus strand). Cytogenetic location: 17q21.31.
Variant type: single nucleotide variant.
Coding change: c.3509T>C on transcript NM_007294.4 (MANE Select); coding-DNA position 3509, T replaced by C.
Protein change: p.Ile1170Thr; replaces isoleucine 1170 with threonine.
Molecular consequence: missense variant. On other transcripts: intron variant (135).
Genome position (GRCh38, 1-based): chr17:43,092,022, A>G on the plus strand (T>C on the coding strand, the complement: BRCA1 is on the minus strand). VCF-style: chr17-43092022-A-G. GRCh37 (hg19) VCF-style: chr17-41244039-A-G.
Other names: c.3386T>C, p.Ile1129Thr (NM_001407938.1, NM_001407939.1, NM_001407863.1 and 19 more transcripts); c.3383T>C, p.Ile1128Thr (NM_001407940.1, NM_001407941.1, NM_001407649.1 and 11 more transcripts); c.3368T>C, p.Ile1123Thr (NM_001407942.1, NM_001407944.1, NM_001407945.1 and 29 more transcripts); c.3365T>C, p.Ile1122Thr (NM_001407943.1, NM_001407964.1, NM_001407740.1 and 20 more transcripts); c.3176T>C, p.Ile1059Thr (NM_001407946.1, NM_001407947.1, NM_001407948.1 and 6 more transcripts); c.3173T>C, p.Ile1058Thr (NM_001407954.1, NM_001407955.1, NM_001407956.1 and 1 more transcripts); c.785-990T>C (NM_001408397.1, NM_001408401.1, NM_001408396.1 and 13 more transcripts); c.665-990T>C (NM_001408436.1, NM_001408444.1, NM_001408438.1 and 12 more transcripts); and 41 more; short protein forms I1170T, I1123T, I1129T, I1169T, I302T, I1042T, I1059T, I1122T.
Identifiers: ClinVar variation 1468069 (VCV001468069.11), dbSNP rs780869838, ClinGen allele CA10594953.